The following is an entry in ClinVar:

ClinVar aggregate classification (germline): Likely benign. Review status: criteria provided, multiple submitters, no conflicts (2 of 4 stars). 3 submissions from 3 submitters: Likely benign (3). Last evaluated 2025-10-31.

Conditions:
Familial cancer of breast. Also called: Hereditary breast cancer; hereditary breast carcinoma; BREAST CANCER, FAMILIAL. Identifiers: Orphanet 227535, MedGen C0346153, MONDO:0016419, OMIM 114480. Disease mechanism: loss of function.
Hereditary cancer-predisposing syndrome. Also called: Hereditary neoplastic syndrome; Neoplastic Syndromes, Hereditary; Tumor predisposition; Hereditary Cancer Syndrome. Identifiers: Orphanet 140162, MedGen C0027672, MeSH D009386, MONDO:0015356.
Ataxia-telangiectasia syndrome (AT). Also called: Ataxia telangiectasia (A-T); LOUIS-BAR SYNDROME; Cerebello-oculocutaneous telangiectasia; Immunodeficiency with ataxia telangiectasia; Ataxia-telangiectasia, complementation group D; AT, COMPLEMENTATION GROUP C. Identifiers: Orphanet 100, MedGen C0004135, MONDO:0008840, OMIM 208900.

Allele frequency attached by ClinVar (database versions not stated): gnomAD exomes below 0.00001; ExAC 0.00001.
gnomAD v4.1: 1 of 1,612,782 alleles (0.000062%); highest among the groups gnomAD compares: East Asian, 0.0022%; no homozygotes.

Submissions (3):

Ambry Genetics
Classification: Likely benign for Hereditary cancer-predisposing syndrome. Last evaluated: 2025-10-31. Review status: criteria provided, single submitter. Criteria: Ambry Variant Classification Scheme 2023. Collection method: clinical testing. Allele origin: germline.

Myriad Genetics, Inc.
Classification: Likely benign for Familial cancer of breast. Last evaluated: 2024-05-24. Review status: criteria provided, single submitter. Criteria: Myriad Autosomal Dominant, Autosomal Recessive and X-Linked Classification Criteria (2023). Collection method: clinical testing. Allele origin: unknown.
Comment: This variant is considered likely benign. This variant is intronic and is not expected to impact mRNA splicing.

Labcorp Genetics (formerly Invitae), Labcorp
Classification: Likely benign for Ataxia-telangiectasia syndrome. Last evaluated: 2023-11-14. Review status: criteria provided, single submitter. Criteria: Invitae Variant Classification Sherloc (09022015). Collection method: clinical testing. Allele origin: germline.

NM_000051.4(ATM):c.5763-3T>C

Genes: ATM (ATM serine/threonine kinase; plus strand), C11orf65 (chromosome 11 open reading frame 65; minus strand). Cytogenetic location: 11q22.3.
Variant type: single nucleotide variant.
Coding change: c.5763-3T>C on transcript NM_000051.4 (MANE Select); 3 bases into the intron before coding-DNA position 5763, T replaced by C.
Molecular consequence: intron variant.
Genome position (GRCh38, 1-based): chr11:108,310,157, T>C. VCF-style: chr11-108310157-T-C. GRCh37 (hg19) VCF-style: chr11-108180884-T-C.
Other names: c.5763-3T>C (NM_001351834.2); c.641-1086A>G (NM_001330368.2); c.*39-1086A>G (NM_001351110.2).
Identifiers: ClinVar variation 1749497 (VCV001749497.7), dbSNP rs762702500, ClinGen allele CA6265782.